The following is an entry in ClinVar:

ClinVar aggregate classification (germline): Uncertain significance (1 of 4 stars; one submission).

Allele frequency attached by ClinVar (database versions not stated): gnomAD exomes below 0.00001.

Submission:

Labcorp Genetics (formerly Invitae), Labcorp
Classification: Uncertain significance. Last evaluated: 2022-08-19. Review status: criteria provided, single submitter. Criteria: Invitae Variant Classification Sherloc (09022015). Collection method: clinical testing. Allele origin: germline.
Comment: Algorithms developed to predict the effect of missense changes on protein structure and function (SIFT, PolyPhen-2, Align-GVGD) all suggest that this variant is likely to be tolerated. This sequence change replaces isoleucine, which is neutral and non-polar, with leucine, which is neutral and non-polar, at codon 51 of the LZTFL1 protein (p.Ile51Leu). This variant is not present in population databases (gnomAD no frequency). This variant has not been reported in the literature in individuals affected with LZTFL1-related conditions. In summary, the available evidence is currently insufficient to determine the role of this variant in disease. Therefore, it has been classified as a Variant of Uncertain Significance.

NM_020347.4(LZTFL1):c.151A>C (p.Ile51Leu)

Gene: LZTFL1 (leucine zipper transcription factor like 1; minus strand). Cytogenetic location: 3p21.31.
Variant type: single nucleotide variant.
Coding change: c.151A>C on transcript NM_020347.4 (MANE Select); coding-DNA position 151, A replaced by C.
Protein change: p.Ile51Leu; replaces isoleucine 51 with leucine.
Molecular consequence: missense variant. On other transcripts: non-coding transcript variant (1).
Genome position (GRCh38, 1-based): chr3:45,835,762, T>G on the plus strand (A>C on the coding strand, the complement: LZTFL1 is on the minus strand). VCF-style: chr3-45835762-T-G. GRCh37 (hg19) VCF-style: chr3-45877254-T-G.
Other names: c.100A>C, p.Ile34Leu (NM_001276378.2, NM_001386451.1, NM_001405922.1 and 4 more transcripts); c.139A>C, p.Ile47Leu (NM_001276379.2, NM_001405921.1); c.151A>C, p.Ile51Leu (NM_001386452.1, NM_001405924.1); c.175A>C, p.Ile59Leu (NM_001405920.1, NM_001405925.1); short protein forms I34L, I47L, I51L, I59L.
Identifiers: ClinVar variation 1716775 (VCV001716775.5), dbSNP rs554407039, ClinGen allele CA352454410.